The following is an entry in ClinVar:

ClinVar aggregate classification (germline): Uncertain significance (1 of 4 stars; one submission).

Conditions:
TH-deficient dopa-responsive dystonia. Also called: Tyrosine Hydroxylase-Deficient Dopa-Responsive Dystonia; Segawa syndrome, autosomal recessive; DYT-TH. Identifiers: Orphanet 101150, MedGen C2673535, MONDO:0011551, OMIM 605407.

Submission:

Labcorp Genetics (formerly Invitae), Labcorp
Classification: Uncertain significance for TH-deficient dopa-responsive dystonia. Last evaluated: 2024-10-14. Review status: criteria provided, single submitter. Criteria: Invitae Variant Classification Sherloc (09022015). Collection method: clinical testing. Allele origin: germline.
Comment: This sequence change replaces leucine, which is neutral and non-polar, with arginine, which is basic and polar, at codon 113 of the TH protein (p.Leu113Arg). This variant is not present in population databases (gnomAD no frequency). This variant has not been reported in the literature in individuals affected with TH-related conditions. ClinVar contains an entry for this variant (Variation ID: 1368299). Invitae Evidence Modeling of protein sequence and biophysical properties (such as structural, functional, and spatial information, amino acid conservation, physicochemical variation, residue mobility, and thermodynamic stability) has been performed for this missense variant. However, the output from this modeling did not meet the statistical confidence thresholds required to predict the impact of this variant on TH protein function. In summary, the available evidence is currently insufficient to determine the role of this variant in disease. Therefore, it has been classified as a Variant of Uncertain Significance.

NM_000360.4(TH):c.245T>G (p.Leu82Arg)

Gene: TH (tyrosine hydroxylase; minus strand). Cytogenetic location: 11p15.5.
Variant type: single nucleotide variant.
Coding change: c.245T>G on transcript NM_000360.4 (MANE Select); coding-DNA position 245, T replaced by G.
Protein change: p.Leu82Arg; replaces leucine 82 with arginine.
Molecular consequence: missense variant.
Genome position (GRCh38, 1-based): chr11:2,169,717, A>C on the plus strand (T>G on the coding strand, the complement: TH is on the minus strand). VCF-style: chr11-2169717-A-C. GRCh37 (hg19) VCF-style: chr11-2190947-A-C.
Other names: c.338T>G, p.Leu113Arg (NM_199292.3); c.326T>G, p.Leu109Arg (NM_199293.3); short protein forms L109R, L82R, L113R.
Identifiers: ClinVar variation 1368299 (VCV001368299.8), dbSNP rs990443240, ClinGen allele CA379112245.